The following is an entry in ClinVar:

ClinVar aggregate classification (germline): Conflicting classifications of pathogenicity. Review status: criteria provided, conflicting classifications (1 of 4 stars). 2 submissions from 2 submitters: Uncertain significance (1); Likely benign (1). Last evaluated 2023-03-23.

Conditions:
Hereditary cancer-predisposing syndrome. Also called: Neoplastic Syndromes, Hereditary; Hereditary neoplastic syndrome; Hereditary Cancer Syndrome; Tumor predisposition. Identifiers: Orphanet 140162, MedGen C0027672, MeSH D009386, MONDO:0015356.

Submissions (2):

University of Washington Department of Laboratory Medicine, University of Washington
Classification: Likely benign for Hereditary cancer-predisposing syndrome. Last evaluated: 2023-03-23. Review status: criteria provided, single submitter. Criteria: Dines et al. (Genet Med. 2020). Collection method: curation. Allele origin: germline.
Comment: Missense variant in a coldspot region where missense variants are very unlikely to be pathogenic (PMID:31911673).

BRCA2 exon 11 coldspot. Reclassification based on statistical prior probability.

GeneDx
Classification: Uncertain significance. Last evaluated: 2019-09-25. Review status: criteria provided, single submitter. Criteria: GeneDx Variant Classification Process June 2021. Collection method: clinical testing. Allele origin: germline. Affected: yes.
Comment: Not observed in large population cohorts (Lek2016); In silico analysis, which includes protein predictors and evolutionary conservation, supports a deleterious effect; Has not been previously published as pathogenic or benign to our knowledge

NM_000059.4(BRCA2):c.5351A>G (p.Asn1784Ser)

Gene: BRCA2 (BRCA2 DNA repair associated; plus strand). Cytogenetic location: 13q13.1.
Variant type: single nucleotide variant.
Coding change: c.5351A>G on transcript NM_000059.4 (MANE Select); coding-DNA position 5351, A replaced by G.
Protein change: p.Asn1784Ser; replaces asparagine 1784 with serine.
Molecular consequence: missense variant.
Genome position (GRCh38, 1-based): chr13:32,339,706, A>G. VCF-style: chr13-32339706-A-G. GRCh37 (hg19) VCF-style: chr13-32913843-A-G.
Other names: short protein forms N1784S.
Identifiers: ClinVar variation 1195674 (VCV001195674.4), dbSNP rs2072527448, ClinGen allele CA387785042.